The following is an entry in ClinVar:

ClinVar aggregate classification (germline): Pathogenic (0 of 4 stars; one submission).

Conditions:
Spastic Paraplegia 2, mild, late onset.

Submission:

Lupski Lab, Baylor-Hopkins CMG, Baylor College of Medicine
Classification: Pathogenic for Spastic Paraplegia 2, mild, late onset. Review status: no assertion criteria provided. Collection method: research. Allele origin: inherited. Inheritance: X-linked inheritance. Affected: yes. Observed: 2 variant alleles.
Comment: This variant was identified in two female individuals with a mild late-onset form of Spastic Paraplegia 2

GRCh37/hg19 Xq22.2(chrX:103029773-103036548)x1

Gene: PLP1 (proteolipid protein 1; plus strand). Cytogenetic location: Xq22.2.
Variant type: copy number loss.
Change: copy number 1 of chrX:103,029,773-103,036,548 (6.8 kb, GRCh37 coordinates, 1-based), cytogenetic band Xq22.2.
Identifiers: ClinVar variation 691851 (VCV000691851.2).